The following is an entry in ClinVar:

ClinVar aggregate classification (germline): Uncertain significance (1 of 4 stars; one submission).

Conditions:
Inborn genetic diseases. Identifiers: MedGen C0950123, MeSH D030342.

Allele frequency attached by ClinVar (database versions not stated): gnomAD exomes below 0.00001; ExAC 0.00001.
gnomAD v4.1: 5 of 1,613,374 alleles (0.00031%); highest among the groups gnomAD compares: Non-Finnish European, 0.00042%; no homozygotes.

Submission:

Ambry Genetics
Classification: Uncertain significance for Inborn genetic diseases. Last evaluated: 2022-12-03. Review status: criteria provided, single submitter. Criteria: Ambry Variant Classification Scheme 2023. Collection method: clinical testing. Allele origin: germline.
Comment: The p.G1397V variant (also known as c.4190G>T) is located in coding exon 30 of the LRRK2 gene. The glycine at codon 1397 is replaced by valine, an amino acid with dissimilar properties. This change occurs in the first base pair of coding exon 30. This amino acid position is conserved. In addition, this alteration is predicted to be deleterious by in silico analysis. Since supporting evidence is limited at this time, the clinical significance of this alteration remains unclear.

NM_198578.4(LRRK2):c.4190G>T (p.Gly1397Val)

Gene: LRRK2 (leucine rich repeat kinase 2; plus strand). Cytogenetic location: 12q12.
Variant type: single nucleotide variant.
Coding change: c.4190G>T on transcript NM_198578.4 (MANE Select); coding-DNA position 4190, G replaced by T.
Protein change: p.Gly1397Val; replaces glycine 1397 with valine.
Molecular consequence: missense variant.
Genome position (GRCh38, 1-based): chr12:40,309,106, G>T. VCF-style: chr12-40309106-G-T. GRCh37 (hg19) VCF-style: chr12-40702908-G-T.
Other names: short protein forms G1397V.
Identifiers: ClinVar variation 2489558 (VCV002489558.2), dbSNP rs750830188, ClinGen allele CA6514109.